The following is an entry in ClinVar:

ClinVar aggregate classification (germline): Likely pathogenic (1 of 4 stars; one submission).

Submission:

Mayo Clinic Laboratories, Mayo Clinic
Classification: Likely pathogenic. Last evaluated: 2024-05-06. Review status: criteria provided, single submitter. Criteria: ACMG Guidelines, 2015. Collection method: clinical testing. Allele origin: germline. Observed: 1 variant allele.
Comment: PP2, PP3, PM1, PM2, PM5

NM_014946.4(SPAST):c.1115G>A (p.Arg372Lys)

Gene: SPAST (spastin; plus strand). Cytogenetic location: 2p22.3.
Variant type: single nucleotide variant.
Coding change: c.1115G>A on transcript NM_014946.4 (MANE Select); coding-DNA position 1115, G replaced by A.
Protein change: p.Arg372Lys; replaces arginine 372 with lysine.
Molecular consequence: missense variant.
Genome position (GRCh38, 1-based): chr2:32,126,964, G>A. VCF-style: chr2-32126964-G-A. GRCh37 (hg19) VCF-style: chr2-32352033-G-A.
Other names: p.Arg372Lys; c.1112G>A, p.Arg371Lys (NM_001363823.2); c.1016G>A, p.Arg339Lys (NM_001363875.2); c.1019G>A, p.Arg340Lys (NM_001377959.1, NM_199436.2); short protein forms R339K, R340K, R371K, R372K.
Identifiers: ClinVar variation 3381159 (VCV003381159.1).